The following is an entry in ClinVar:

NM_005527.4(HSPA1L):c.1478C>T (p.Thr493Met)

Gene: HSPA1L (heat shock protein family A (Hsp70) member 1 like; minus strand). Cytogenetic location: 6p21.33.
Variant type: single nucleotide variant.
Coding change: c.1478C>T on transcript NM_005527.4 (MANE Select); coding-DNA position 1478, C replaced by T.
Protein change: p.Thr493Met; replaces threonine 493 with methionine.
Molecular consequence: missense variant.
Genome position (GRCh38, 1-based): chr6:31,810,495, G>A on the plus strand (C>T on the coding strand, the complement: HSPA1L is on the minus strand). VCF-style: chr6-31810495-G-A. GRCh37 (hg19) VCF-style: chr6-31778272-G-A.
Other names: short protein forms T493M.
Identifiers: ClinVar variation 3060421 (VCV003060421.2), dbSNP rs2227956, ClinGen allele CA3723894.

ClinVar aggregate classification (germline): Benign (0 of 4 stars; one submission).

Conditions:
HSPA1L-related disorder. Also called: HSPA1L-related condition.

Allele frequency attached by ClinVar (database versions not stated): gnomAD exomes 0.83177; ExAC 0.86521; ESP Exome Variant Server 0.87006; 1000 Genomes Project 0.87720; gnomAD 0.87733; 1000 Genomes Project 30x 0.88226; TOPMed 0.88627.
gnomAD v4.1: 1,349,530 of 1,613,352 alleles (84%); highest among the groups gnomAD compares: African/African-American, 97%; 566,847 homozygotes.

Submission:

PreventionGenetics, part of Exact Sciences
Classification: Benign for HSPA1L-related condition. Last evaluated: 2019-10-21. Review status: no assertion criteria provided. Collection method: clinical testing. Allele origin: germline.
Comment: This variant is classified as benign based on ACMG/AMP sequence variant interpretation guidelines (Richards et al. 2015 PMID: 25741868, with internal and published modifications).